The following is an entry in ClinVar:

NM_014476.6(PDLIM3):c.399-18G>A

Gene: PDLIM3 (PDZ and LIM domain 3; minus strand). Cytogenetic location: 4q35.1.
Variant type: single nucleotide variant.
Coding change: c.399-18G>A on transcript NM_014476.6 (MANE Select); 18 bases into the intron before coding-DNA position 399, G replaced by A.
Molecular consequence: intron variant.
Genome position (GRCh38, 1-based): chr4:185,508,580, C>T on the plus strand (G>A on the coding strand, the complement: PDLIM3 is on the minus strand). VCF-style: chr4-185508580-C-T. GRCh37 (hg19) VCF-style: chr4-186429734-C-T.
Other names: c.162-1928G>A (NM_001257963.2); c.399-1928G>A (NM_001257962.2); c.519-1928G>A (NM_001114107.5).
Identifiers: ClinVar variation 378349 (VCV000378349.9), dbSNP rs372273108, ClinGen allele CA3159787.

ClinVar aggregate classification (germline): Likely benign. Review status: criteria provided, multiple submitters, no conflicts (2 of 4 stars). 2 submissions from 2 submitters: Likely benign (2). Last evaluated 2025-02-19.

Conditions:
Hypertrophic cardiomyopathy. Also called: HYPERTROPHIC MYOCARDIOPATHY. Identifiers: Orphanet 217569, MedGen C0007194, MeSH D002312, MONDO:0005045, HP:0001639.
Primary dilated cardiomyopathy (DCM). Also called: Dilated Cardiomyopathy. Identifiers: Orphanet 217604, MedGen C0007193, MeSH D002311, MONDO:0005021, HP:0001644. Inheritance: Various modes of inheritance.

Allele frequency attached by ClinVar (database versions not stated): ESP Exome Variant Server 0.00023; gnomAD exomes 0.00006; ExAC 0.00008; TOPMed 0.00011; gnomAD 0.00013 and 0.00016.
gnomAD v4.1: 84 of 1,612,336 alleles (0.0052%); highest among the groups gnomAD compares: African/African-American, 0.015%; no homozygotes.

Submissions (2):

Labcorp Genetics (formerly Invitae), Labcorp
Classification: Likely benign for Hypertrophic cardiomyopathy; Primary dilated cardiomyopathy. Last evaluated: 2025-02-19. Review status: criteria provided, single submitter. Criteria: Invitae Variant Classification Sherloc (09022015). Collection method: clinical testing. Allele origin: germline.

GeneDx
Classification: Likely benign. Last evaluated: 2016-06-08. Review status: criteria provided, single submitter. Criteria: GeneDx Variant Classification (06012015). Collection method: clinical testing. Allele origin: germline. Affected: yes.
Comment: This variant is considered likely benign or benign based on one or more of the following criteria: it is a conservative change, it occurs at a poorly conserved position in the protein, it is predicted to be benign by multiple in silico algorithms, and/or has population frequency not consistent with disease.